The following is an entry in ClinVar:

ClinVar aggregate classification (germline): Uncertain significance. Review status: criteria provided, multiple submitters, no conflicts (2 of 4 stars). 2 submissions from 2 submitters: Uncertain significance (2). Last evaluated 2025-04-07.

Allele frequency attached by ClinVar (database versions not stated): TOPMed below 0.00001.

Submissions (2):

Labcorp Genetics (formerly Invitae), Labcorp
Classification: Uncertain significance. Last evaluated: 2025-04-07. Review status: criteria provided, single submitter. Criteria: Invitae Variant Classification Sherloc (09022015). Collection method: clinical testing. Allele origin: germline.
Comment: This sequence change replaces proline, which is neutral and non-polar, with leucine, which is neutral and non-polar, at codon 30 of the IHH protein (p.Pro30Leu). This variant is not present in population databases (gnomAD no frequency). This variant has not been reported in the literature in individuals affected with IHH-related conditions. ClinVar contains an entry for this variant (Variation ID: 1723530). Invitae Evidence Modeling of protein sequence and biophysical properties (such as structural, functional, and spatial information, amino acid conservation, physicochemical variation, residue mobility, and thermodynamic stability) indicates that this missense variant is expected to disrupt IHH protein function with a positive predictive value of 80%. In summary, the available evidence is currently insufficient to determine the role of this variant in disease. Therefore, it has been classified as a Variant of Uncertain Significance.

GeneDx
Classification: Uncertain significance. Last evaluated: 2022-05-10. Review status: criteria provided, single submitter. Criteria: GeneDx Variant Classification Process June 2021. Collection method: clinical testing. Allele origin: germline. Affected: yes.
Comment: Not observed at significant frequency in large population cohorts (gnomAD); In silico analysis supports that this missense variant has a deleterious effect on protein structure/function; Has not been previously published as pathogenic or benign to our knowledge

NM_002181.4(IHH):c.89C>T (p.Pro30Leu)

Gene: IHH (Indian hedgehog signaling molecule; minus strand). Cytogenetic location: 2q35.
Variant type: single nucleotide variant.
Coding change: c.89C>T on transcript NM_002181.4 (MANE Select); coding-DNA position 89, C replaced by T.
Protein change: p.Pro30Leu; replaces proline 30 with leucine.
Molecular consequence: missense variant.
Genome position (GRCh38, 1-based): chr2:219,060,379, G>A on the plus strand (C>T on the coding strand, the complement: IHH is on the minus strand). VCF-style: chr2-219060379-G-A. GRCh37 (hg19) VCF-style: chr2-219925101-G-A.
Other names: short protein forms P30L.
Identifiers: ClinVar variation 1723530 (VCV001723530.3), dbSNP rs1948870385, ClinGen allele CA350637547.